The following is an entry in ClinVar:

ClinVar aggregate classification (germline): Benign/Likely benign. Review status: criteria provided, multiple submitters, no conflicts (2 of 4 stars). 5 submissions from 5 submitters: Benign (3); Likely benign (1). 1 of the submissions does not count toward it. Last evaluated 2026-01-31.

Conditions:
COL18A1-related disorder. Also called: COL18A1-related disorders; COL18A1-related condition.
Knobloch syndrome (KNO). Also called: RETINAL DETACHMENT AND OCCIPITAL ENCEPHALOCELE; Myopia retinal detachment encephalocele. Identifiers: Orphanet 1571, MedGen C1849409, MONDO:0800166.

Allele frequency attached by ClinVar (database versions not stated): 1000 Genomes Project 30x 0.00453; 1000 Genomes Project 0.00499.
gnomAD v4.1: 1,484 of 1,613,728 alleles (0.092%); highest among the groups gnomAD compares: African/African-American, 1.8%; 5 homozygotes.

Submissions (5):

Labcorp Genetics (formerly Invitae), Labcorp
Classification: Benign. Last evaluated: 2026-01-31. Review status: criteria provided, single submitter. Criteria: Invitae Variant Classification Sherloc (09022015). Collection method: clinical testing. Allele origin: germline.

Blueprint Genetics
Classification: Likely benign. Last evaluated: 2024-11-26. Review status: criteria provided, single submitter. Criteria: ACMG Guidelines, 2015. Collection method: clinical testing. Allele origin: germline.

Genetic Services Laboratory, University of Chicago
Classification: Benign. Last evaluated: 2019-01-18. Review status: criteria provided, single submitter. Criteria: ACMG Guidelines, 2015. Collection method: clinical testing. Allele origin: germline. Affected: no.

Illumina Laboratory Services, Illumina
Classification: Benign for Knobloch syndrome 1. Last evaluated: 2017-04-27. Review status: criteria provided, single submitter. Criteria: ICSL Variant Classification Criteria 13 December 2019. Collection method: clinical testing. Allele origin: germline.
Comment: This variant was observed as part of a predisposition screen in an ostensibly healthy population. A literature search was performed for the gene, cDNA change, and amino acid change (where applicable). No publications were found based on this search. Allele frequency data from public databases was too high to be consistent with this variant causing disease. Therefore, this variant is classified as benign.

PreventionGenetics, part of Exact Sciences
Classification: Benign for COL18A1-related condition. Last evaluated: 2019-03-22. Review status: no assertion criteria provided. Collection method: clinical testing. Allele origin: germline. Not counted in ClinVar's aggregate classification.
Comment: This variant is classified as benign based on ACMG/AMP sequence variant interpretation guidelines (Richards et al. 2015 PMID: 25741868, with internal and published modifications).

NM_001379500.1(COL18A1):c.837C>A (p.Pro279=)

Gene: COL18A1 (collagen type XVIII alpha 1 chain; plus strand). Cytogenetic location: 21q22.3.
Variant type: single nucleotide variant.
Coding change: c.837C>A on transcript NM_001379500.1 (MANE Select); coding-DNA position 837, C replaced by A.
Protein change: p.Pro279=; no amino-acid change (proline 279 retained).
Molecular consequence: synonymous variant.
Genome position (GRCh38, 1-based): chr21:45,476,389, C>A. VCF-style: chr21-45476389-C-A. GRCh37 (hg19) VCF-style: chr21-46896303-C-A.
Other names: NM_130445.2:c.837C>A; c.1377C>A, p.Pro459= (NM_030582.4); c.2082C>A, p.Pro694= (NM_130444.3).
Identifiers: ClinVar variation 895071 (VCV000895071.18), dbSNP rs2230687, ClinGen allele CA10065957.